The following is an entry in ClinVar:

NM_001252102.2(KIF21B):c.2455-3C>T

Gene: KIF21B (kinesin family member 21B; minus strand). Cytogenetic location: 1q32.1.
Variant type: single nucleotide variant.
Coding change: c.2455-3C>T on transcript NM_001252102.2 (MANE Select); 3 bases into the intron before coding-DNA position 2455, C replaced by T.
Molecular consequence: intron variant.
Genome position (GRCh38, 1-based): chr1:200,991,152, G>A on the plus strand (C>T on the coding strand, the complement: KIF21B is on the minus strand). VCF-style: chr1-200991152-G-A. GRCh37 (hg19) VCF-style: chr1-200960280-G-A.
Other names: c.2455-3C>T (NM_001252103.2, NM_017596.4, NM_001252100.2).
Identifiers: ClinVar variation 3359650 (VCV003359650.1).

ClinVar aggregate classification (germline): Uncertain significance (1 of 4 stars; one submission).

Submission:

GeneDx
Classification: Uncertain significance. Last evaluated: 2023-06-08. Review status: criteria provided, single submitter. Criteria: GeneDx Variant Classification Process June 2021. Collection method: clinical testing. Allele origin: germline. Affected: yes.
Comment: In silico analysis supports that this variant does not alter splicing; Has not been previously published as pathogenic or benign to our knowledge